The following is an entry in ClinVar:

NM_001605.3(AARS1):c.1534G>C (p.Glu512Gln)

Gene: AARS1 (alanyl-tRNA synthetase 1; minus strand). Cytogenetic location: 16q22.1.
Variant type: single nucleotide variant.
Coding change: c.1534G>C on transcript NM_001605.3 (MANE Select); coding-DNA position 1534, G replaced by C.
Protein change: p.Glu512Gln; replaces glutamic acid 512 with glutamine.
Molecular consequence: missense variant.
Genome position (GRCh38, 1-based): chr16:70,262,483, C>G on the plus strand (G>C on the coding strand, the complement: AARS1 is on the minus strand). VCF-style: chr16-70262483-C-G. GRCh37 (hg19) VCF-style: chr16-70296386-C-G.
Other names: short protein forms E512Q.
Identifiers: ClinVar variation 2047667 (VCV002047667.4), dbSNP rs2507003820, ClinGen allele CA396560292.

ClinVar aggregate classification (germline): Uncertain significance (1 of 4 stars; one submission).

Conditions:
Charcot-Marie-Tooth disease type 2. Also called: Charcot-Marie-Tooth type 2. Identifiers: Orphanet 64746, MedGen C0270914, MONDO:0018993.

Submission:

Labcorp Genetics (formerly Invitae), Labcorp
Classification: Uncertain significance for Charcot-Marie-Tooth disease type 2. Last evaluated: 2022-08-09. Review status: criteria provided, single submitter. Criteria: Invitae Variant Classification Sherloc (09022015). Collection method: clinical testing. Allele origin: germline.
Comment: In summary, the available evidence is currently insufficient to determine the role of this variant in disease. Therefore, it has been classified as a Variant of Uncertain Significance. Algorithms developed to predict the effect of sequence changes on RNA splicing suggest that this variant may disrupt the consensus splice site. Algorithms developed to predict the effect of missense changes on protein structure and function (SIFT, PolyPhen-2, Align-GVGD) all suggest that this variant is likely to be tolerated. This variant has not been reported in the literature in individuals affected with AARS-related conditions. This variant is not present in population databases (gnomAD no frequency). This sequence change replaces glutamic acid, which is acidic and polar, with glutamine, which is neutral and polar, at codon 512 of the AARS protein (p.Glu512Gln).